The following is an entry in ClinVar:

NM_058174.3(COL6A2):c.2635G>A (p.Glu879Lys)

Gene: COL6A2 (collagen type VI alpha 2 chain; plus strand). Cytogenetic location: 21q22.3.
Variant type: single nucleotide variant.
Coding change: c.2635G>A on transcript NM_058174.3 (MANE Plus Clinical); coding-DNA position 2635, G replaced by A.
Protein change: p.Glu879Lys; replaces glutamic acid 879 with lysine.
Molecular consequence: missense variant. On other transcripts: 3 prime UTR variant (1), intron variant (1).
Genome position (GRCh38, 1-based): chr21:46,129,369, G>A. VCF-style: chr21-46129369-G-A. GRCh37 (hg19) VCF-style: chr21-47549283-G-A.
Other names: c.*441G>A (NM_058175.3); c.2462-2585G>A (NM_001849.4); short protein forms E879K.
Identifiers: ClinVar variation 3049172 (VCV003049172.16), dbSNP rs145838734, ClinGen allele CA10072803.

ClinVar aggregate classification (germline): Conflicting classifications of pathogenicity. Review status: criteria provided, conflicting classifications (1 of 4 stars). 3 submissions from 3 submitters: Uncertain significance (1); Likely benign (1). 1 of the submissions does not count toward it. Last evaluated 2026-06-01.

Conditions:
COL6A2-related disorder.

Allele frequency attached by ClinVar (database versions not stated): gnomAD 0.00050; gnomAD exomes 0.00067; TOPMed 0.00068; ESP Exome Variant Server 0.00077; ExAC 0.00083.
gnomAD v4.1: 1,061 of 1,612,870 alleles (0.066%); highest among the groups gnomAD compares: Admixed American, 0.21%; 2 homozygotes.

Submissions (3):

CeGaT Center for Human Genetics Tuebingen
Classification: Likely benign. Last evaluated: 2026-06-01. Review status: criteria provided, single submitter. Criteria: CeGaT Center For Human Genetics Tuebingen Variant Classification Criteria Version 2. Collection method: clinical testing. Allele origin: germline. Affected: yes. Observed: 3 variant alleles.
Comment: COL6A2: PP3, BS2

Blueprint Genetics
Classification: Uncertain significance. Last evaluated: 2024-10-04. Review status: criteria provided, single submitter. Criteria: ACMG Guidelines, 2015. Collection method: clinical testing. Allele origin: germline.

PreventionGenetics, part of Exact Sciences
Classification: Likely benign for COL6A2-related condition. Last evaluated: 2023-10-09. Review status: no assertion criteria provided. Collection method: clinical testing. Allele origin: germline. Not counted in ClinVar's aggregate classification.
Comment: This variant is classified as likely benign based on ACMG/AMP sequence variant interpretation guidelines (Richards et al. 2015 PMID: 25741868, with internal and published modifications).